The following is an entry in ClinVar:

NM_002471.4(MYH6):c.4360-7C>G

Gene: MYH6 (myosin heavy chain 6; minus strand). Cytogenetic location: 14q11.2.
Variant type: single nucleotide variant.
Coding change: c.4360-7C>G on transcript NM_002471.4 (MANE Select); 7 bases into the intron before coding-DNA position 4360, C replaced by G.
Molecular consequence: intron variant.
Genome position (GRCh38, 1-based): chr14:23,387,930, G>C on the plus strand (C>G on the coding strand, the complement: MYH6 is on the minus strand). VCF-style: chr14-23387930-G-C. GRCh37 (hg19) VCF-style: chr14-23857139-G-C.
Identifiers: ClinVar variation 178067 (VCV000178067.28), dbSNP rs58949384, ClinGen allele CA181321.

ClinVar aggregate classification (germline): Conflicting classifications of pathogenicity. Review status: criteria provided, conflicting classifications (1 of 4 stars). 6 submissions from 6 submitters: Uncertain significance (2); Benign (2); Likely benign (1). 1 of the submissions does not count toward it. Last evaluated 2026-01-15.

Conditions:
MYH6-related disorder. Also called: MYH6-related condition; MYH6-Related Disorders.
Hypertrophic cardiomyopathy 14. Identifiers: MedGen C2750467, MONDO:0013197, OMIM 613251.

Allele frequency attached by ClinVar (database versions not stated): 1000 Genomes Project 0.00040; 1000 Genomes Project 30x 0.00062.
gnomAD v4.1: 99 of 1,613,042 alleles (0.0061%); highest among the groups gnomAD compares: African/African-American, 0.12%; no homozygotes.

Submissions (6):

Labcorp Genetics (formerly Invitae), Labcorp
Classification: Benign for Hypertrophic cardiomyopathy 14. Last evaluated: 2026-01-15. Review status: criteria provided, single submitter. Criteria: Invitae Variant Classification Sherloc (09022015). Collection method: clinical testing. Allele origin: germline.

Women's Health and Genetics/Laboratory Corporation of America, LabCorp
Classification: Benign. Last evaluated: 2025-10-21. Review status: criteria provided, single submitter. Criteria: LabCorp Variant Classification Summary - May 2015. Collection method: clinical testing. Allele origin: germline.

GeneDx
Classification: Likely benign. Last evaluated: 2024-04-08. Review status: criteria provided, single submitter. Criteria: GeneDx Variant Classification Process June 2021. Collection method: clinical testing. Allele origin: germline. Affected: yes.
Comment: See Variant Classification Assertion Criteria.

ARUP Laboratories, Molecular Genetics and Genomics, ARUP Laboratories
Classification: Uncertain significance. Last evaluated: 2020-01-16. Review status: criteria provided, single submitter. Criteria: ARUP Molecular Germline Variant Investigation Process. Collection method: clinical testing. Allele origin: germline.
Comment: The MYH6 c.4360-7C>G variant (rs58949384), to our knowledge, is not reported in the medical literature but is reported in ClinVar (Variation ID: 178067). This variant is found in the African population with an allele frequency of 0.13% (32/24706 alleles) in the Genome Aggregation Database. This is an intronic variant in a moderately conserved nucleotide, and computational analyses (Alamut v.2.11) predict that this variant may impact splicing by weakening the nearby canonical acceptor splice site. However, without functional studies, the effect on splicing is unknown. Due to limited information, the clinical significance of the c.4360-7C>G variant is uncertain at this time.

Laboratory for Molecular Medicine, Mass General Brigham Personalized Medicine
Classification: Uncertain significance. Last evaluated: 2014-06-05. Review status: criteria provided, single submitter. Criteria: LMM Criteria. Collection method: clinical testing. Allele origin: germline. Observed: 2 variant alleles.
Comment: The 4360-7C>G variant in MYH6 has not been previously reported in individuals wi th cardiomyopathy or in large population studies. This variant is located in the 3' splice region. Computational tools do not suggest an impact to splicing. How ever, this information is not predictive enough to rule out pathogenicity. In su mmary, the clinical significance of the 4360-7C>G variant is uncertain.

PreventionGenetics, part of Exact Sciences
Classification: Likely benign for MYH6-related condition. Last evaluated: 2024-06-26. Review status: no assertion criteria provided. Collection method: clinical testing. Allele origin: germline. Not counted in ClinVar's aggregate classification.
Comment: This variant is classified as likely benign based on ACMG/AMP sequence variant interpretation guidelines (Richards et al. 2015 PMID: 25741868, with internal and published modifications).